The following is an entry in ClinVar:

NM_000552.5(VWF):c.4483A>C (p.Met1495Leu)

Gene: VWF (von Willebrand factor; minus strand). Cytogenetic location: 12p13.31.
Variant type: single nucleotide variant.
Coding change: c.4483A>C on transcript NM_000552.5 (MANE Select); coding-DNA position 4483, A replaced by C.
Protein change: p.Met1495Leu; replaces methionine 1495 with leucine.
Molecular consequence: missense variant.
Genome position (GRCh38, 1-based): chr12:6,018,935, T>G on the plus strand (A>C on the coding strand, the complement: VWF is on the minus strand). VCF-style: chr12-6018935-T-G. GRCh37 (hg19) VCF-style: chr12-6128101-T-G.
Other names: short protein forms M1495L.
Identifiers: ClinVar variation 3572167 (VCV003572167.1).
Genomic context (GRCh38, chr12:6,018,935, plus strand): 5'-TGAAGTCGGCTTCACCAATTTTGTCCGATCCTTCCAGGACGAACGCCACATCCAGAACCA[T>G]GGAGTTCCTCTTGGGCCCCAGGGTCGAAACCCCCAAGAGCCCCGGGCCCACAGTGACTTG-3'
Protein context (NP_000543.3, residues 1485-1505): VSTLGPKRNS[Met1495Leu]VLDVAFVLEG

ClinVar aggregate classification (germline): Uncertain significance (1 of 4 stars; one submission).

Submission:

Quest Diagnostics Nichols Institute San Juan Capistrano
Classification: Uncertain significance. Last evaluated: 2024-11-11. Review status: criteria provided, single submitter. Criteria: Quest Diagnostics criteria. Collection method: clinical testing. Allele origin: unknown.
Comment: The VWF c.4483A>C (p.Met1495Leu) variant has been reported in the published literature in an individual with type 2A/B von Willerbrand disease (PMID: 23179108 (2013)). This variant has not been reported in large, multi-ethnic general populations (Genome Aggregation Database). Analysis of this variant using bioinformatics tools for the prediction of the effect of amino acid changes on protein structure and function yielded conflicting predictions that this variant is deleterious or benign. Based on the available information, we are unable to determine the clinical significance of this variant.

Literature cited by the submitters: PubMed 37647632; PubMed 23179108.